The following is an entry in ClinVar:

ClinVar aggregate classification (germline): Uncertain significance (1 of 4 stars; one submission).

gnomAD v4.1: 3 of 1,603,222 alleles (0.00019%); highest among the groups gnomAD compares: Non-Finnish European, 0.00026%; no homozygotes.

Submission:

Labcorp Genetics (formerly Invitae), Labcorp
Classification: Uncertain significance. Last evaluated: 2022-07-23. Review status: criteria provided, single submitter. Criteria: Invitae Variant Classification Sherloc (09022015). Collection method: clinical testing. Allele origin: germline.
Comment: This variant is not present in population databases (gnomAD no frequency). This sequence change replaces alanine, which is neutral and non-polar, with glycine, which is neutral and non-polar, at codon 127 of the POC5 protein (p.Ala127Gly). This variant has not been reported in the literature in individuals affected with POC5-related conditions. Algorithms developed to predict the effect of missense changes on protein structure and function output the following: SIFT: "Not Available"; PolyPhen-2: "Benign"; Align-GVGD: "Not Available". The glycine amino acid residue is found in multiple mammalian species, which suggests that this missense change does not adversely affect protein function. Algorithms developed to predict the effect of sequence changes on RNA splicing suggest that this variant may create or strengthen a splice site. In summary, the available evidence is currently insufficient to determine the role of this variant in disease. Therefore, it has been classified as a Variant of Uncertain Significance.

NM_001099271.2(POC5):c.380C>G (p.Ala127Gly)

Gene: POC5 (POC5 centriolar protein; minus strand). Cytogenetic location: 5q13.3.
Variant type: single nucleotide variant.
Coding change: c.380C>G on transcript NM_001099271.2 (MANE Select); coding-DNA position 380, C replaced by G.
Protein change: p.Ala127Gly; replaces alanine 127 with glycine.
Molecular consequence: missense variant.
Genome position (GRCh38, 1-based): chr5:75,702,738, G>C on the plus strand (C>G on the coding strand, the complement: POC5 is on the minus strand). VCF-style: chr5-75702738-G-C. GRCh37 (hg19) VCF-style: chr5-74998563-G-C.
Other names: c.305C>G, p.Ala102Gly (NM_152408.3); short protein forms A127G, A102G.
Identifiers: ClinVar variation 1926980 (VCV001926980.5), dbSNP rs1238948789, ClinGen allele CA360149877.